The following is an entry in ClinVar:

ClinVar aggregate classification (germline): Uncertain significance (1 of 4 stars; one submission).

Conditions:
Bethlem myopathy 1A. Also called: Bethlem myopathy 1; Bethlem Muscular Dystrophy; MYOPATHY, BENIGN CONGENITAL, WITH CONTRACTURES. Identifiers: Orphanet 610, MedGen CN029274, MONDO:0024530, OMIM 158810.

Allele frequency attached by ClinVar (database versions not stated): gnomAD exomes below 0.00001.
gnomAD v4.1: 1 of 1,614,150 alleles (0.000062%); highest among the groups gnomAD compares: Admixed American, 0.0017%; no homozygotes.

Submission:

Labcorp Genetics (formerly Invitae), Labcorp
Classification: Uncertain significance for Bethlem myopathy 1A. Last evaluated: 2023-10-22. Review status: criteria provided, single submitter. Criteria: Invitae Variant Classification Sherloc (09022015). Collection method: clinical testing. Allele origin: germline.
Comment: This sequence change replaces lysine, which is basic and polar, with glutamic acid, which is acidic and polar, at codon 1936 of the COL6A3 protein (p.Lys1936Glu). This variant is present in population databases (no rsID available, gnomAD 0.003%). This variant has not been reported in the literature in individuals affected with COL6A3-related conditions. Advanced modeling of protein sequence and biophysical properties (such as structural, functional, and spatial information, amino acid conservation, physicochemical variation, residue mobility, and thermodynamic stability) performed at Invitae indicates that this missense variant is expected to disrupt COL6A3 protein function with a positive predictive value of 80%. In summary, the available evidence is currently insufficient to determine the role of this variant in disease. Therefore, it has been classified as a Variant of Uncertain Significance.

NM_004369.4(COL6A3):c.5806A>G (p.Lys1936Glu)

Gene: COL6A3 (collagen type VI alpha 3 chain; minus strand). Cytogenetic location: 2q37.3.
Variant type: single nucleotide variant.
Coding change: c.5806A>G on transcript NM_004369.4 (MANE Select); coding-DNA position 5806, A replaced by G.
Protein change: p.Lys1936Glu; replaces lysine 1936 with glutamic acid.
Molecular consequence: missense variant.
Genome position (GRCh38, 1-based): chr2:237,365,730, T>C on the plus strand (A>G on the coding strand, the complement: COL6A3 is on the minus strand). VCF-style: chr2-237365730-T-C. GRCh37 (hg19) VCF-style: chr2-238274373-T-C.
Other names: c.3985A>G, p.Lys1329Glu (NM_057166.5); c.5188A>G, p.Lys1730Glu (NM_057167.4); short protein forms K1730E, K1936E, K1329E.
Identifiers: ClinVar variation 2770305 (VCV002770305.3), dbSNP rs1334186946, ClinGen allele CA351185648.